The following is an entry in ClinVar:

NM_000161.3(GCH1):c.257C>G (p.Pro86Arg)

Gene: GCH1 (GTP cyclohydrolase 1; minus strand). Cytogenetic location: 14q22.2.
Variant type: single nucleotide variant.
Coding change: c.257C>G on transcript NM_000161.3 (MANE Select); coding-DNA position 257, C replaced by G.
Protein change: p.Pro86Arg; replaces proline 86 with arginine.
Molecular consequence: missense variant.
Genome position (GRCh38, 1-based): chr14:54,902,407, G>C on the plus strand (C>G on the coding strand, the complement: GCH1 is on the minus strand). VCF-style: chr14-54902407-G-C. GRCh37 (hg19) VCF-style: chr14-55369125-G-C.
Other names: c.257C>G, p.Pro86Arg (NM_001024024.2, NM_001024070.2, NM_001024071.2); short protein forms P86R.
Identifiers: ClinVar variation 529412 (VCV000529412.8), dbSNP rs1555362836, ClinGen allele CA389793764.

ClinVar aggregate classification (germline): Uncertain significance (1 of 4 stars; one submission).

Conditions:
GTP cyclohydrolase I deficiency. Identifiers: MedGen C0268467, MONDO:0100184.
Dystonia 5 (DRD). Also called: Dystonia, DOPA-responsive, with or without hyperphenylalaninemia; DYT-GCH1; DYSTONIA, PROGRESSIVE, WITH DIURNAL VARIATION; DYSTONIA-PARKINSONISM WITH DIURNAL FLUCTUATION; GTP Cyclohydrolase 1-Deficient Dopa-Responsive Dystonia. Identifiers: Orphanet 98808, MedGen C1851920, MONDO:0007495, OMIM 128230.

Submission:

Labcorp Genetics (formerly Invitae), Labcorp
Classification: Uncertain significance for GTP cyclohydrolase I deficiency; Dystonia 5. Last evaluated: 2017-10-24. Review status: criteria provided, single submitter. Criteria: Invitae Variant Classification Sherloc (09022015). Collection method: clinical testing. Allele origin: germline.
Comment: This variant has not been reported in the literature in individuals with GCH1-related disease. This variant is not present in population databases (ExAC no frequency). This sequence change replaces proline with arginine at codon 86 of the GCH1 protein (p.Pro86Arg). The proline residue is moderately conserved and there is a moderate physicochemical difference between proline and arginine. Algorithms developed to predict the effect of missense changes on protein structure and function do not agree on the potential impact of this missense change (SIFT: "Deleterious"; PolyPhen-2: "Possibly Damaging"; Align-GVGD: "Class C0"). In summary, the available evidence is currently insufficient to determine the role of this variant in disease. Therefore, it has been classified as a Variant of Uncertain Significance.